The following is an entry in ClinVar:

ClinVar aggregate classification (germline): Uncertain significance (0 of 4 stars; one submission).

Submission:

Martin Pollak Laboratory,  Beth Israel Deaconess Medical Center
Classification: Uncertain significance. Review status: no assertion criteria provided. Collection method: not provided. Allele origin: unknown.
Comment: Higher UCa2+ group
ClinVar note: Converted during submission from unknown to Uncertain significance.

NM_004070.4(CLCNKA):c.753G>C (p.Arg251=)

Genes: CLCNKA (chloride voltage-gated channel Ka; plus strand), LOC106501712 (CLCNKA recombination region; plus strand). Cytogenetic location: 1p36.13.
Variant type: single nucleotide variant.
Coding change: c.753G>C on transcript NM_004070.4 (MANE Select); coding-DNA position 753, G replaced by C.
Protein change: p.Arg251=; no amino-acid change (arginine 251 retained).
Molecular consequence: synonymous variant.
Genome position (GRCh38, 1-based): chr1:16,027,407, G>C. VCF-style: chr1-16027407-G-C. GRCh37 (hg19) VCF-style: chr1-16353902-G-C.
Other names: c.753G>C, p.Arg251= (NM_001042704.2); c.624G>C, p.Arg208= (NM_001257139.2).
Identifiers: ClinVar variation 64463 (VCV000064463.2), dbSNP rs387907406, ClinGen allele CA216199.